The following is an entry in ClinVar:

NM_000138.5(FBN1):c.5509C>T (p.Pro1837Ser)

Gene: FBN1 (fibrillin 1; minus strand). Cytogenetic location: 15q21.1.
Variant type: single nucleotide variant.
Coding change: c.5509C>T on transcript NM_000138.5 (MANE Select); coding-DNA position 5509, C replaced by T.
Protein change: p.Pro1837Ser; replaces proline 1837 with serine.
Molecular consequence: missense variant.
Genome position (GRCh38, 1-based): chr15:48,452,598, G>A on the plus strand (C>T on the coding strand, the complement: FBN1 is on the minus strand). VCF-style: chr15-48452598-G-A. GRCh37 (hg19) VCF-style: chr15-48744795-G-A.
Other names: short protein forms P1837S.
Identifiers: ClinVar variation 402848 (VCV000402848.14), dbSNP rs755430984, ClinGen allele CA055068.

ClinVar aggregate classification (germline): Uncertain significance. Review status: criteria provided, multiple submitters, no conflicts (2 of 4 stars). 6 submissions from 6 submitters: Uncertain significance (6). Last evaluated 2026-07-10.

Conditions:
Familial thoracic aortic aneurysm and aortic dissection (TAAD). Also called: Thoracic aortic aneurysms and dissections. Identifiers: Orphanet 91387, MedGen C4707243, MONDO:0019625.
Marfan syndrome (MFS). Also called: MARFAN SYNDROME, TYPE I; Marfan syndrome, classic; FBN1-Related Marfan Syndrome; Marfan syndrome type 1; Marfan's syndrome. Identifiers: Orphanet 284963, Orphanet 558, MedGen C0024796, MONDO:0007947, OMIM 154700.

Allele frequency attached by ClinVar (database versions not stated): gnomAD exomes 0.00001; gnomAD 0.00001; TOPMed below 0.00001; ExAC 0.00001.

Submissions (6):

Ambry Genetics
Classification: Uncertain significance for Familial thoracic aortic aneurysm and aortic dissection. Last evaluated: 2026-07-10. Review status: criteria provided, single submitter. Criteria: Ambry Variant Classification Scheme 2023. Collection method: clinical testing. Allele origin: germline.
Comment: The p.P1837S variant (also known as c.5509C>T), located in coding exon 44 of the FBN1 gene, results from a C to T substitution at nucleotide position 5509. The proline at codon 1837 is replaced by serine, an amino acid with similar properties. This variant was reported in individual(s) with features consistent with Marfan syndrome and related fibrillinopathies (Milewicz DM et al. Circulation, 1996 Dec;94:2708-11). This amino acid position is well conserved in available vertebrate species. In addition, this alteration is predicted to be deleterious by in silico analysis. Based on the available evidence, the clinical significance of this variant remains unclear.

GeneDx
Classification: Uncertain significance. Last evaluated: 2026-01-03. Review status: criteria provided, single submitter. Criteria: GeneDx Variant Classification Process June 2021. Collection method: clinical testing. Allele origin: germline.
Comment: Identified in an individual in published literature with dilated aortic root, mitral valve prolapse, high-arched palate, mild thoracic scoliosis, and family history of aortic aneurysm; however familial segregation was not available (PMID: 8941093); Not observed at significant frequency in large population cohorts (gnomAD); In silico analysis suggests that this missense variant does not alter protein structure/function; Does not affect a cysteine or calcium-binding residue within an EGF-like domain or a TGF-binding protein domain of the FBN1 gene; cysteine substitutions in the EGF-like domains represent the majority of pathogenic missense changes associated with FBN1-related disorders (PMID: 12938084); In silico analysis supports a deleterious effect on splicing; This variant is associated with the following publications: (PMID: 27153395, 8941093, 12938084)

All of Us Research Program, National Institutes of Health
Classification: Uncertain significance for Marfan syndrome. Last evaluated: 2024-08-23. Review status: criteria provided, single submitter. Criteria: ACMG Guidelines, 2015. Collection method: clinical testing. Allele origin: germline. Inheritance: Autosomal dominant inheritance. Observed: 1 variant allele, 1 heterozygote.
Comment: This missense variant replaces proline with serine at codon 1837 of the FBN1 protein. Computational prediction suggests that this variant may have deleterious impact on protein structure and function (internally defined REVEL score threshold >= 0.7, PMID: 27666373). To our knowledge, functional studies have not been reported for this variant. This variant has been reported in one individual affected with thoracic aortic aneurysms or dissections (PMID: 8941093). This variant has been identified in 2/251260 chromosomes in the general population by the Genome Aggregation Database (gnomAD). The available evidence is insufficient to determine the role of this variant in disease conclusively. Therefore, this variant is classified as a Variant of Uncertain Significance.

This study involves interpretation of variants in research participants for the purpose of population health screening. Participant phenotype was not available at the time of variant classification. Additional details can be found in publication PMID: 35346344, PMCID: PMC8962531

Color Diagnostics, LLC DBA Color Health
Classification: Uncertain significance for Familial thoracic aortic aneurysm and aortic dissection. Last evaluated: 2024-08-13. Review status: criteria provided, single submitter. Criteria: ACMG Guidelines, 2015. Collection method: clinical testing. Allele origin: germline.
Comment: This missense variant replaces proline with serine at codon 1837 of the FBN1 protein. Computational prediction tools indicate that this variant has a deleterious impact on protein structure and function. To our knowledge, functional studies have not been reported for this variant. This variant has been reported in an individual affected with thoracic aortic aneurysms or dissections (PMID: 8941093). This variant has been identified in 2/251260 chromosomes in the general population by the Genome Aggregation Database (gnomAD). The available evidence is insufficient to determine the role of this variant in disease conclusively. Therefore, this variant is classified as a Variant of Uncertain Significance.

Labcorp Genetics (formerly Invitae), Labcorp
Classification: Uncertain significance for Marfan syndrome; Familial thoracic aortic aneurysm and aortic dissection. Last evaluated: 2024-04-22. Review status: criteria provided, single submitter. Criteria: Invitae Variant Classification Sherloc (09022015). Collection method: clinical testing. Allele origin: germline.
Comment: This sequence change replaces proline, which is neutral and non-polar, with serine, which is neutral and polar, at codon 1837 of the FBN1 protein (p.Pro1837Ser). This variant is present in population databases (rs755430984, gnomAD 0.002%). This missense change has been observed in individual(s) with clinical features of thoracic aortic aneurysm and aortic dissection (PMID: 8941093). ClinVar contains an entry for this variant (Variation ID: 402848). Advanced modeling of protein sequence and biophysical properties (such as structural, functional, and spatial information, amino acid conservation, physicochemical variation, residue mobility, and thermodynamic stability) has been performed at Invitae for this missense variant, however the output from this modeling did not meet the statistical confidence thresholds required to predict the impact of this variant on FBN1 protein function. Algorithms developed to predict the effect of sequence changes on RNA splicing suggest that this variant may create or strengthen a splice site. In summary, the available evidence is currently insufficient to determine the role of this variant in disease. Therefore, it has been classified as a Variant of Uncertain Significance.

Laboratory for Molecular Medicine, Mass General Brigham Personalized Medicine
Classification: Uncertain significance. Last evaluated: 2016-03-28. Review status: criteria provided, single submitter. Criteria: LMM Criteria. Collection method: clinical testing. Allele origin: germline.
Comment: Variant identified in a genome or exome case(s) and assessed due to predicted null impact of the variant or pathogenic assertions in the literature or databases. Disclaimer: This variant has not undergone full assessment. ExAC: 1/66724 European chromosomes

Literature cited by the submitters: PubMed 8941093 (cited by 4 submitters).